The following is an entry in ClinVar:

ClinVar aggregate classification (germline): Uncertain significance. Review status: criteria provided, multiple submitters, no conflicts (2 of 4 stars). 3 submissions from 3 submitters: Uncertain significance (3). Last evaluated 2025-12-17.

Conditions:
Gorlin syndrome. Also called: Nevoid Basal Cell Carcinoma Syndrome; Basal cell nevus syndrome. Identifiers: Orphanet 377, MedGen C0004779, MONDO:0007187.
Hereditary cancer-predisposing syndrome. Also called: Hereditary Cancer Syndrome; Tumor predisposition; Neoplastic Syndromes, Hereditary; Hereditary neoplastic syndrome. Identifiers: Orphanet 140162, MedGen C0027672, MeSH D009386, MONDO:0015356.

Allele frequency attached by ClinVar (database versions not stated): gnomAD exomes below 0.00001.
gnomAD v4.1: 1 of 1,614,074 alleles (0.000062%); highest among the groups gnomAD compares: Non-Finnish European, 0.000085%; no homozygotes.

Submissions (3):

Ambry Genetics
Classification: Uncertain significance for Hereditary cancer-predisposing syndrome. Last evaluated: 2025-12-17. Review status: criteria provided, single submitter. Criteria: Ambry Variant Classification Scheme 2023. Collection method: clinical testing. Allele origin: germline.
Comment: The c.3449+3A>G intronic variant results from an A to G substitution 3 nucleotides after coding exon 20 in the PTCH1 gene. This nucleotide position is not well conserved in available vertebrate species. In silico splice site analysis predicts that this alteration will not have any significant effect on splicing. RNA studies have demonstrated that this alteration does not result in abnormal splicing in the set of samples tested (Ambry internal data). Based on the available evidence, the clinical significance of this variant remains unclear.

Labcorp Genetics (formerly Invitae), Labcorp
Classification: Uncertain significance for Gorlin syndrome. Last evaluated: 2025-10-07. Review status: criteria provided, single submitter. Criteria: Invitae Variant Classification Sherloc (09022015). Collection method: clinical testing. Allele origin: germline.
Comment: This sequence change falls in intron 20 of the PTCH1 gene. It does not directly change the encoded amino acid sequence of the PTCH1 protein. It affects a nucleotide within the consensus splice site. This variant is not present in population databases (gnomAD no frequency). This variant has not been reported in the literature in individuals affected with PTCH1-related conditions. ClinVar contains an entry for this variant (Variation ID: 863620). Variants that disrupt the consensus splice site are a relatively common cause of aberrant splicing (PMID: 17576681, 9536098). Algorithms developed to predict the effect of sequence changes on RNA splicing suggest that this variant is not likely to affect RNA splicing. In summary, the available evidence is currently insufficient to determine the role of this variant in disease. Therefore, it has been classified as a Variant of Uncertain Significance.

Quest Diagnostics Nichols Institute San Juan Capistrano
Classification: Uncertain significance. Last evaluated: 2022-11-11. Review status: criteria provided, single submitter. Criteria: Quest Diagnostics criteria. Collection method: clinical testing. Allele origin: unknown.
Comment: The variant has not been reported in the published literature. It also has not been reported in large, multi-ethnic general populations. Analysis of this variant using software algorithms for the prediction of the effect of nucleotide changes on splicing yielded predictions that this variant does not affect PTCH1 mRNA splicing . Based on the available information, we are unable to determine the clinical significance of this variant.

Literature cited by the submitters: PubMed 17576681 (cited by Labcorp Genetics (formerly Invitae), Labcorp); PubMed 9536098 (cited by Labcorp Genetics (formerly Invitae), Labcorp).

NM_000264.5(PTCH1):c.3449+3A>G

Gene: PTCH1 (patched 1; minus strand). Cytogenetic location: 9q22.32.
Variant type: single nucleotide variant.
Coding change: c.3449+3A>G on transcript NM_000264.5 (MANE Select); 3 bases into the intron after coding-DNA position 3449, A replaced by G.
Molecular consequence: intron variant.
Genome position (GRCh38, 1-based): chr9:95,453,475, T>C on the plus strand (A>G on the coding strand, the complement: PTCH1 is on the minus strand). VCF-style: chr9-95453475-T-C. GRCh37 (hg19) VCF-style: chr9-98215757-T-C.
Other names: c.3446+3A>G (NM_001083603.3); c.3251+3A>G (NM_001083602.3); c.3293+3A>G (NM_001354918.2); c.2996+3A>G (NM_001083605.3, NM_001083604.3, NM_001083606.3 and 1 more transcripts); c.3449+3A>G (NM_000264.4).
Identifiers: ClinVar variation 863620 (VCV000863620.12), dbSNP rs201942643, ClinGen allele CA196571004.